The following is an entry in ClinVar:

NM_000092.5(COL4A4):c.1003G>A (p.Gly335Arg)

Gene: COL4A4 (collagen type IV alpha 4 chain; minus strand). Cytogenetic location: 2q36.3.
Variant type: single nucleotide variant.
Coding change: c.1003G>A on transcript NM_000092.5 (MANE Select); coding-DNA position 1003, G replaced by A.
Protein change: p.Gly335Arg; replaces glycine 335 with arginine.
Molecular consequence: missense variant.
Genome position (GRCh38, 1-based): chr2:227,101,530, C>T on the plus strand (G>A on the coding strand, the complement: COL4A4 is on the minus strand). VCF-style: chr2-227101530-C-T. GRCh37 (hg19) VCF-style: chr2-227966246-C-T.
Other names: short protein forms G335R.
Identifiers: ClinVar variation 5003521 (VCV005003521.1).
Genomic context (GRCh38, chr2:227,101,530, plus strand): 5'-TATCAGGATATATTAAAATAGGCTCACTTTTTACCTTTGGGCCAATTAATCCAAATAGCC[C>T]AGGATCTCCAACCAGTCCTAGTTCTCCCTACAAACAAGCACAAACATGCCTTAAAAAAAA-3'
Protein context (NP_000083.3, residues 325-345): KGELGLVGDP[Gly335Arg]LFGLIGPKGD

ClinVar aggregate classification (germline): Uncertain significance (1 of 4 stars; one submission).

Conditions:
Alport syndrome. Also called: Hemorrhagic familial nephritis; Hemorrhagic hereditary nephritis; Congenital hereditary hematuria. Identifiers: Orphanet 63, MedGen C1567741, MONDO:0018965.

Submission:

Myriad Genetics, Inc.
Classification: Uncertain significance for Alport syndrome. Last evaluated: 2026-06-16. Review status: criteria provided, single submitter. Criteria: Myriad Autosomal Dominant, Autosomal Recessive and X-Linked Classification Criteria (2023). Collection method: clinical testing. Allele origin: unknown.
Comment: NM_000092.4(COL4A4):c.1003G>A(G335R) is a missense variant classified as a variant of uncertain significance in the context of Alport syndrome, COL4A4-related. G335R has not been observed in cases with relevant disease. Relevant functional assessments of this variant are not available in the literature. G335R has not been observed in referenced population frequency databases. In summary, there is insufficient evidence to classify NM_000092.4(COL4A4):c.1003G>A(G335R) as pathogenic or benign. Please note: this variant was assessed in the context of healthy population screening.